The following is an entry in ClinVar:

ClinVar aggregate classification (germline): Benign/Likely benign. Review status: criteria provided, multiple submitters, no conflicts (2 of 4 stars). 3 submissions from 3 submitters: Benign (1); Likely benign (1). 1 of the submissions does not count toward it. Last evaluated 2025-06-03.

Conditions:
GPC6-related disorder. Also called: GPC6-related condition.

Allele frequency attached by ClinVar (database versions not stated): gnomAD exomes 0.00014; ExAC 0.00018; ESP Exome Variant Server 0.00031; gnomAD 0.00057 and 0.00060; TOPMed 0.00062; 1000 Genomes Project 0.00100; 1000 Genomes Project 30x 0.00141.
gnomAD v4.1: 142 of 1,613,660 alleles (0.0088%); highest among the groups gnomAD compares: African/African-American, 0.17%; 1 homozygote.

Submissions (3):

Labcorp Genetics (formerly Invitae), Labcorp
Classification: Benign. Last evaluated: 2025-06-03. Review status: criteria provided, single submitter. Criteria: Invitae Variant Classification Sherloc (09022015). Collection method: clinical testing. Allele origin: germline.

Blueprint Genetics
Classification: Likely benign. Last evaluated: 2021-03-12. Review status: criteria provided, single submitter. Criteria: ACMG Guidelines, 2015. Collection method: clinical testing. Allele origin: germline.

PreventionGenetics, part of Exact Sciences
Classification: Likely benign for GPC6-related condition. Last evaluated: 2019-02-19. Review status: no assertion criteria provided. Collection method: clinical testing. Allele origin: germline. Not counted in ClinVar's aggregate classification.
Comment: This variant is classified as likely benign based on ACMG/AMP sequence variant interpretation guidelines (Richards et al. 2015 PMID: 25741868, with internal and published modifications).

NM_005708.5(GPC6):c.189A>G (p.Glu63=)

Gene: GPC6 (glypican 6; plus strand). Cytogenetic location: 13q31.3.
Variant type: single nucleotide variant.
Coding change: c.189A>G on transcript NM_005708.5 (MANE Select); coding-DNA position 189, A replaced by G.
Protein change: p.Glu63=; no amino-acid change (glutamic acid 63 retained).
Molecular consequence: synonymous variant.
Genome position (GRCh38, 1-based): chr13:93,545,291, A>G. VCF-style: chr13-93545291-A-G. GRCh37 (hg19) VCF-style: chr13-94197544-A-G.
Other names: c.189A>G (NM_005708.4).
Identifiers: ClinVar variation 721940 (VCV000721940.12), dbSNP rs138275851, ClinGen allele CA7016804.